The following is an entry in ClinVar:

ClinVar aggregate classification (germline): Likely benign. Review status: criteria provided, multiple submitters, no conflicts (2 of 4 stars). 3 submissions from 3 submitters: Likely benign (2). 1 of the submissions does not count toward it. Last evaluated 2026-01-05.

Conditions:
ARMC9-related disorder. Also called: ARMC9-related condition.

Submissions (3):

Labcorp Genetics (formerly Invitae), Labcorp
Classification: Likely benign. Last evaluated: 2026-01-05. Review status: criteria provided, single submitter. Criteria: Invitae Variant Classification Sherloc (09022015). Collection method: clinical testing. Allele origin: germline.

Blueprint Genetics
Classification: Likely benign. Last evaluated: 2024-11-26. Review status: criteria provided, single submitter. Criteria: ACMG Guidelines, 2015. Collection method: clinical testing. Allele origin: germline.

PreventionGenetics, part of Exact Sciences
Classification: Likely benign for ARMC9-related condition. Last evaluated: 2019-07-10. Review status: no assertion criteria provided. Collection method: clinical testing. Allele origin: germline. Not counted in ClinVar's aggregate classification.
Comment: This variant is classified as likely benign based on ACMG/AMP sequence variant interpretation guidelines (Richards et al. 2015 PMID: 25741868, with internal and published modifications).

NM_001352754.2(ARMC9):c.781-8_781-6del

Gene: ARMC9 (armadillo repeat containing 9; plus strand). Cytogenetic location: 2q37.1.
Variant type: Microsatellite.
Coding change: c.781-8_781-6del on transcript NM_001352754.2 (MANE Select); 8 bases into the intron before coding-DNA position 781 through 6 bases into the intron before coding-DNA position 781, 3 bases deleted (CCT; older notation c.781-8_781-6delCCT).
Molecular consequence: intron variant.
Genome position (GRCh38, 1-based): chr2:231,239,935-231,239,937, CCT deleted; deleting any 3 consecutive bases within chr2:231,239,931-231,239,937 gives the same sequence; the c. name uses the placement nearest the transcript's 3' end. VCF-style (leftmost placement, unchanged base first): chr2-231239930-ATCC-A. GRCh37 (hg19) VCF-style: chr2-232104643-ATCC-A.
Other names: c.781-8_781-6del (NM_001271466.4, NM_001352755.2, NM_001352756.2 and 3 more transcripts); c.780+4554_780+4556del (NM_001352757.2, NM_001352758.2); c.781-8_781-6delCCT (NM_025139.5).
Identifiers: ClinVar variation 1081546 (VCV001081546.12), dbSNP rs779365675, ClinGen allele CA2160047.
Genomic context (GRCh38, chr2:231,239,930, plus strand): 5'-ATTGCCAGCGTGCCTCAGGTGTCCCTCAGTGAGTTTCATGCCATCACCAGATGTCTTTGT[ATCC>A]TCCTTGCAGATCACCCCTGAGTACCTCCAGAGCGTCTGTGTCCGCCTGTTCAGTAACCAG-3'